The following is an entry in ClinVar:

NM_024075.5(TSEN34):c.-5+15G>A

Gene: TSEN34 (tRNA splicing endonuclease subunit 34; plus strand). Cytogenetic location: 19q13.42.
Variant type: single nucleotide variant.
Coding change: c.-5+15G>A on transcript NM_024075.5; 15 bases into the intron after 5 bases upstream of the start codon, G replaced by A.
Molecular consequence: intron variant.
Genome position (GRCh38, 1-based): chr19:54,190,465, G>A. VCF-style: chr19-54190465-G-A. GRCh37 (hg19) VCF-style: chr19-54694316-G-A.
Other names: c.-5+94G>A (NM_001386740.1, NM_001282333.2).
Identifiers: ClinVar variation 330122 (VCV000330122.8), dbSNP rs141003293, ClinGen allele CA309371022.

ClinVar aggregate classification (germline): Likely benign. Review status: criteria provided, multiple submitters, no conflicts (2 of 4 stars). 3 submissions from 3 submitters: Likely benign (3). Last evaluated 2018-01-13.

Conditions:
Pontoneocerebellar hypoplasia. Also called: Pontocerebellar hypoplasia; Non-syndromic pontocerebellar hypoplasia. Identifiers: Orphanet 98523, MedGen C1261175, MONDO:0020135.

Allele frequency attached by ClinVar (database versions not stated): gnomAD 0.00497 and 0.00481; gnomAD exomes 0.00169; TOPMed 0.00530; 1000 Genomes Project 30x 0.00422; 1000 Genomes Project 0.00459.

Submissions (3):

Illumina Laboratory Services, Illumina
Classification: Likely benign for Pontoneocerebellar hypoplasia. Last evaluated: 2018-01-13. Review status: criteria provided, single submitter. Criteria: ICSL Variant Classification Criteria 13 December 2019. Collection method: clinical testing. Allele origin: germline.
Comment: This variant was observed in the ICSL laboratory as part of a predisposition screen in an ostensibly healthy population. It had not been previously curated by ICSL or reported in the Human Gene Mutation Database (HGMD: prior to June 1st, 2018), and was therefore a candidate for classification through an automated scoring system. Utilizing variant allele frequency, disease prevalence and penetrance estimates, and inheritance mode, an automated score was calculated to assess if this variant is too frequent to cause the disease. Based on the score and internal cut-off values, a variant classified as likely benign is not then subjected to further curation. The score for this variant resulted in a classification of likely benign for this disease.

GeneDx
Classification: Likely benign. Last evaluated: 2016-11-22. Review status: criteria provided, single submitter. Criteria: GeneDx Variant Classification (06012015). Collection method: clinical testing. Allele origin: germline. Affected: yes.
Comment: This variant is considered likely benign or benign based on one or more of the following criteria: it is a conservative change, it occurs at a poorly conserved position in the protein, it is predicted to be benign by multiple in silico algorithms, and/or has population frequency not consistent with disease.

Breakthrough Genomics
Classification: Likely benign. Review status: criteria provided, single submitter. Criteria: ACMG Guidelines, 2015. Collection method: not provided. Allele origin: germline. Inheritance: Autosomal recessive inheritance. Affected: yes.